The following is an entry in ClinVar:

NM_006767.4(LZTR1):c.1690_1695del (p.Gln564_Leu565del)

Gene: LZTR1 (leucine zipper like post translational regulator 1; plus strand). Cytogenetic location: 22q11.21.
Variant type: Deletion.
Coding change: c.1690_1695del on transcript NM_006767.4 (MANE Select); coding-DNA positions 1690 to 1695, 6 bases deleted (CAGCTG; older notation c.1690_1695delCAGCTG).
Protein change: p.Gln564_Leu565del.
Molecular consequence: inframe deletion.
Genome position (GRCh38, 1-based): chr22:20,994,632-20,994,637, CAGCTG deleted; deleting any 6 consecutive bases within chr22:20,994,631-20,994,637 gives the same sequence; the c. name uses the placement nearest the transcript's 3' end. VCF-style (leftmost placement, unchanged base first): chr22-20994630-AGCAGCT-A. GRCh37 (hg19) VCF-style: chr22-21348919-AGCAGCT-A.
Identifiers: ClinVar variation 3615783 (VCV003615783.2).
Genomic context (GRCh38, chr22:20,994,630, plus strand): 5'-ATGTGCTGCTCATCATGGATGTGTACAAACTGGCACTGAGCTTCCAGTTGTGCCGCCTGG[AGCAGCT>A]GTGCCGCCAGTACATCGAGGCCTCCGTGGACCTGCAGAACGTGCTGGTTGTGTGCGAGAG-3'

ClinVar aggregate classification (germline): Uncertain significance (1 of 4 stars; one submission).

Submission:

Labcorp Genetics (formerly Invitae), Labcorp
Classification: Uncertain significance. Last evaluated: 2024-07-16. Review status: criteria provided, single submitter. Criteria: Invitae Variant Classification Sherloc (09022015). Collection method: clinical testing. Allele origin: germline.
Comment: This variant, c.1690_1695del, results in the deletion of 2 amino acid(s) of the LZTR1 protein (p.Gln564_Leu565del), but otherwise preserves the integrity of the reading frame. This variant is not present in population databases (gnomAD no frequency). This variant has not been reported in the literature in individuals affected with LZTR1-related conditions. Experimental studies and prediction algorithms are not available or were not evaluated, and the functional significance of this variant is currently unknown. In summary, the available evidence is currently insufficient to determine the role of this variant in disease. Therefore, it has been classified as a Variant of Uncertain Significance.